The following is an entry in ClinVar:

NM_138927.4(SON):c.4640ATA[3] (p.Asn1548_Thr1549insAsn)

Gene: SON (SON DNA and RNA binding protein; plus strand). Cytogenetic location: 21q22.11.
Variant type: Microsatellite.
Coding change: c.4640ATA[3] on transcript NM_138927.4 (MANE Select); three copies in a row of the 3-base unit ATA starting at c.4640; the reference has two copies in a row; one copy, 3 bases duplicated.
Protein change: p.Asn1548_Thr1549insAsn.
Molecular consequence: inframe insertion. On other transcripts: non-coding transcript variant (1), intron variant (1).
Genome position (GRCh38, 1-based): chr21:33,553,874-33,553,876, ATA duplicated; duplicating any 3 consecutive bases within chr21:33,553,871-33,553,876 gives the same sequence; the position shown is the placement nearest the transcript's 3' end. VCF-style (leftmost placement, unchanged base first): chr21-33553870-C-CATA. GRCh37 (hg19) VCF-style: chr21-34926176-C-CATA.
Other names: c.4640ATA[3], p.Asn1548_Thr1549insAsn (NM_001291411.2, NM_032195.3); c.245-3285ATA[3] (NM_001291412.3).
Identifiers: ClinVar variation 3343545 (VCV003343545.2).

ClinVar aggregate classification (germline): Uncertain significance (1 of 4 stars; one submission).

Submission:

GeneDx
Classification: Uncertain significance. Last evaluated: 2025-08-07. Review status: criteria provided, single submitter. Criteria: GeneDx Variant Classification Process June 2021. Collection method: clinical testing. Allele origin: germline.
Comment: Not observed at significant frequency in large population cohorts (gnomAD); In-frame duplication of 1 amino acid(s) in a non-repeat region; Has not been previously published as pathogenic or benign to our knowledge